The following is an entry in ClinVar:

ClinVar aggregate classification (germline): Benign/Likely benign. Review status: criteria provided, multiple submitters, no conflicts (2 of 4 stars). 11 submissions from 11 submitters: Benign (3); Likely benign (4). 4 of the submissions do not count toward it. Last evaluated 2026-01-23.

Conditions:
Hereditary sensory neuropathy-deafness-dementia syndrome. Also called: Hereditary sensory neuropathy type IE; HSN IE; Hereditary Sensory and Autonomic Neuropathy Type 1E (HSAN1E); NEUROPATHY, HEREDITARY SENSORY, WITH HEARING LOSS AND DEMENTIA. Identifiers: Orphanet 456318, MedGen C3279885, MONDO:0013584, OMIM 614116.

Allele frequency attached by ClinVar (database versions not stated): 1000 Genomes Project 0.00020; 1000 Genomes Project 30x 0.00031; TOPMed 0.00099; gnomAD exomes 0.00105; gnomAD 0.00107 and 0.00108; ExAC 0.00228.
gnomAD v4.1: 985 of 768,956 alleles (0.13%); highest among the groups gnomAD compares: Non-Finnish European, 0.18%; 1 homozygote.

Submissions (11):

Labcorp Genetics (formerly Invitae), Labcorp
Classification: Likely benign for Hereditary sensory neuropathy-deafness-dementia syndrome. Last evaluated: 2026-01-23. Review status: criteria provided, single submitter. Criteria: Invitae Variant Classification Sherloc (09022015). Collection method: clinical testing. Allele origin: germline.

CeGaT Center for Human Genetics Tuebingen
Classification: Benign. Last evaluated: 2025-06-01. Review status: criteria provided, single submitter. Criteria: CeGaT Center For Human Genetics Tuebingen Variant Classification Criteria Version 2. Collection method: clinical testing. Allele origin: germline. Affected: yes. Observed: 5 variant alleles.
Comment: DNMT1: BP4, BS1, BS2

Blueprint Genetics
Classification: Likely benign. Last evaluated: 2024-11-05. Review status: criteria provided, single submitter. Criteria: ACMG Guidelines, 2015. Collection method: clinical testing. Allele origin: germline.

Mayo Clinic Laboratories, Mayo Clinic
Classification: Benign. Last evaluated: 2024-01-08. Review status: criteria provided, single submitter. Criteria: ACMG Guidelines, 2015. Collection method: clinical testing. Allele origin: germline. Observed: 4 variant alleles.
Comment: BS1, BS2, BP4, BP7

GeneDx
Classification: Likely benign. Last evaluated: 2018-03-02. Review status: criteria provided, single submitter. Criteria: GeneDx Variant Classification (06012015). Collection method: clinical testing. Allele origin: germline. Affected: yes.
Comment: This variant is considered likely benign or benign based on one or more of the following criteria: it is a conservative change, it occurs at a poorly conserved position in the protein, it is predicted to be benign by multiple in silico algorithms, and/or has population frequency not consistent with disease.

Illumina Laboratory Services, Illumina
Classification: Benign for Hereditary sensory neuropathy-deafness-dementia syndrome. Last evaluated: 2018-01-12. Review status: criteria provided, single submitter. Criteria: ICSL Variant Classification Criteria 13 December 2019. Collection method: clinical testing. Allele origin: germline.
Comment: This variant was observed in the ICSL laboratory as part of a predisposition screen in an ostensibly healthy population. It had not been previously curated by ICSL or reported in the Human Gene Mutation Database (HGMD: prior to June 1st, 2018), and was therefore a candidate for classification through an automated scoring system. Utilizing variant allele frequency, disease prevalence and penetrance estimates, and inheritance mode, an automated score was calculated to assess if this variant is too frequent to cause the disease. Based on the score and internal cut-off values, a variant classified as benign is not then subjected to further curation. The score for this variant resulted in a classification of benign for this disease.

PreventionGenetics, part of Exact Sciences
Classification: Likely benign. Review status: criteria provided, single submitter. Criteria: ACMG Guidelines, 2015. Collection method: clinical testing. Allele origin: germline.

Clinical Genetics DNA and cytogenetics Diagnostics Lab, Erasmus MC, Erasmus Medical Center
Classification: Likely benign. Review status: no assertion criteria provided. Collection method: clinical testing. Allele origin: germline. Affected: yes. Study: VKGL Data-share Consensus. Not counted in ClinVar's aggregate classification.

Clinical Genetics, Academic Medical Center
Classification: Likely benign. Review status: no assertion criteria provided. Collection method: clinical testing. Allele origin: germline. Affected: yes. Study: VKGL Data-share Consensus. Not counted in ClinVar's aggregate classification.

Genome Diagnostics Laboratory, University Medical Center Utrecht
Classification: Likely benign. Review status: no assertion criteria provided. Collection method: clinical testing. Allele origin: germline. Affected: yes. Study: VKGL Data-share Consensus. Not counted in ClinVar's aggregate classification.

Laboratory of Diagnostic Genome Analysis, Leiden University Medical Center (LUMC)
Classification: Likely benign. Review status: no assertion criteria provided. Collection method: clinical testing. Allele origin: germline. Affected: yes. Study: VKGL Data-share Consensus. Not counted in ClinVar's aggregate classification.

NM_001130823.3(DNMT1):c.493+8C>T

Gene: DNMT1 (DNA methyltransferase 1; minus strand). Cytogenetic location: 19p13.2.
Variant type: single nucleotide variant.
Coding change: c.493+8C>T on transcript NM_001130823.3 (MANE Select); 8 bases into the intron after coding-DNA position 493, C replaced by T.
Molecular consequence: intron variant.
Genome position (GRCh38, 1-based): chr19:10,180,179, G>A on the plus strand (C>T on the coding strand, the complement: DNMT1 is on the minus strand). VCF-style: chr19-10180179-G-A. GRCh37 (hg19) VCF-style: chr19-10290855-G-A.
Other names: p.?; c.493+8C>T (LRG_362t1); c.130+8C>T (NM_001318731.2); c.445+171C>T (NM_001379.4, NM_001318730.2).
Identifiers: ClinVar variation 257542 (VCV000257542.46), dbSNP rs138998574, ClinGen allele CA9188733.